The following is an entry in ClinVar:

NM_018993.4(RIN2):c.-24T>C

Gene: RIN2 (Ras and Rab interactor 2; plus strand). Cytogenetic location: 20p11.23.
Variant type: single nucleotide variant.
Coding change: c.-24T>C on transcript NM_018993.4 (MANE Select); 24 bases upstream of the start codon, T replaced by C.
Molecular consequence: 5 prime UTR variant. On other transcripts: missense variant (1).
Genome position (GRCh38, 1-based): chr20:19,889,578, T>C. VCF-style: chr20-19889578-T-C. GRCh37 (hg19) VCF-style: chr20-19870222-T-C.
Other names: c.124T>C, p.Cys42Arg (NM_001242581.2); c.-569T>C (NM_001378238.1); short protein forms C42R.
Identifiers: ClinVar variation 1398325 (VCV001398325.3), dbSNP rs531751763, ClinGen allele CA9779671.

ClinVar aggregate classification (germline): Uncertain significance (1 of 4 stars; one submission).

Allele frequency attached by ClinVar (database versions not stated): gnomAD exomes 0.00001 and 0.00002; ExAC 0.00005; gnomAD 0.00011; 1000 Genomes Project 30x 0.00016; TOPMed 0.00018; 1000 Genomes Project 0.00020.
gnomAD v4.1: 38 of 1,549,994 alleles (0.0025%); highest among the groups gnomAD compares: Admixed American, 0.031%; no homozygotes.

Submission:

Labcorp Genetics (formerly Invitae), Labcorp
Classification: Uncertain significance. Last evaluated: 2022-08-22. Review status: criteria provided, single submitter. Criteria: Invitae Variant Classification Sherloc (09022015). Collection method: clinical testing. Allele origin: germline.
Comment: The RIN2 gene has multiple clinically relevant transcripts. This variant occurs in alternate transcript NM_001242581.1, and corresponds to NM_018993.3:c.-24T>C in the primary transcript. This sequence change replaces cysteine, which is neutral and slightly polar, with arginine, which is basic and polar, at codon 42 of the RIN2 protein (p.Cys42Arg). This variant is present in population databases (rs531751763, gnomAD 0.009%). This variant has not been reported in the literature in individuals affected with RIN2-related conditions. ClinVar contains an entry for this variant (Variation ID: 1398325). Algorithms developed to predict the effect of missense changes on protein structure and function output the following: SIFT: "Not Available"; PolyPhen-2: "Not Available"; Align-GVGD: "Not Available". The arginine amino acid residue is found in multiple mammalian species, which suggests that this missense change does not adversely affect protein function. In summary, the available evidence is currently insufficient to determine the role of this variant in disease. Therefore, it has been classified as a Variant of Uncertain Significance.